The following is an entry in ClinVar:

NM_001128840.3(CACNA1D):c.2245G>A (p.Ala749Thr)

Gene: CACNA1D (calcium voltage-gated channel subunit alpha1 D; plus strand). Cytogenetic location: 3p21.1.
Variant type: single nucleotide variant.
Coding change: c.2245G>A on transcript NM_001128840.3 (MANE Select); coding-DNA position 2245, G replaced by A.
Protein change: p.Ala749Thr; replaces alanine 749 with threonine.
Molecular consequence: missense variant.
Genome position (GRCh38, 1-based): chr3:53,730,465, G>A. VCF-style: chr3-53730465-G-A. GRCh37 (hg19) VCF-style: chr3-53764492-G-A.
Other names: c.2305G>A, p.Ala769Thr (NM_000720.4); c.2245G>A, p.Ala749Thr (NM_001128839.3); short protein forms A769T, A749T.
Identifiers: ClinVar variation 421144 (VCV000421144.2), dbSNP rs1064794938, ClinGen allele CA16618002.

ClinVar aggregate classification (germline): Likely pathogenic (1 of 4 stars; one submission).

Submission:

GeneDx
Classification: Likely pathogenic. Last evaluated: 2018-02-28. Review status: criteria provided, single submitter. Criteria: GeneDx Variant Classification (06012015). Collection method: clinical testing. Allele origin: germline. Affected: yes.
Comment: The A769T variant in the CACNA1D gene has not been reported previously as a pathogenic variant, nor as a benign variant, to our knowledge. The A769T variant was not observed in approximately 6,500 individuals of European and African American ancestry in the NHLBI Exome Sequencing Project, indicating it is not a common benign variant in these populations. The A769T variant is a non-conservative amino acid substitution, which is likely to impact secondary protein structure as these residues differ in polarity, charge, size and/or other properties. This substitution occurs at a position that is conserved across species. In silico analysis predicts this variant is probably damaging to the protein structure/function. A missense variant in the same codon (A769G) has been reported in association with autism spectrum disorder (Pinggera et al., 2015), supporting the functional importance of this codon. Therefore, we interpret A769R as a likely pathogenic variant.